The following is an entry in ClinVar:

ClinVar aggregate classification (germline): Likely benign. Review status: criteria provided, multiple submitters, no conflicts (2 of 4 stars). 4 submissions from 4 submitters: Likely benign (4). Last evaluated 2026-04-07.

Conditions:
Long QT syndrome (LQTS). Identifiers: MedGen C0023976, MeSH D008133, MONDO:0002442. Disease mechanism: loss of function. Inheritance: Various modes of inheritance.
CACNA1C-related disorder. Also called: CACNA1C-related condition; CACNA1C-related disorders. Identifiers: MedGen CN381092, MONDO:0700321.
Cardiovascular phenotype. Identifiers: MedGen CN230736.

Allele frequency attached by ClinVar (database versions not stated): TOPMed 0.00002; gnomAD 0.00003; ExAC 0.00006; gnomAD exomes 0.00002.
gnomAD v4.1: 28 of 1,604,444 alleles (0.0017%); highest among the groups gnomAD compares: African/African-American, 0.0094%; no homozygotes.

Submissions (4):

PreventionGenetics, part of Exact Sciences
Classification: Likely benign for CACNA1C-related condition. Last evaluated: 2026-04-07. Review status: criteria provided, single submitter. Criteria: ACMG Guidelines, 2015. Collection method: clinical testing. Allele origin: germline.
Comment: This variant is classified as likely benign based on ACMG/AMP sequence variant interpretation guidelines (Richards et al. 2015 PMID: 25741868, with internal and published modifications).

Labcorp Genetics (formerly Invitae), Labcorp
Classification: Likely benign for Long QT syndrome. Last evaluated: 2025-07-28. Review status: criteria provided, single submitter. Criteria: Invitae Variant Classification Sherloc (09022015). Collection method: clinical testing. Allele origin: germline.

Women's Health and Genetics/Laboratory Corporation of America, LabCorp
Classification: Likely benign. Last evaluated: 2021-12-19. Review status: criteria provided, single submitter. Criteria: LabCorp Variant Classification Summary - May 2015. Collection method: clinical testing. Allele origin: germline.

Ambry Genetics
Classification: Likely benign for Cardiovascular phenotype. Last evaluated: 2021-01-21. Review status: criteria provided, single submitter. Criteria: Ambry Variant Classification Scheme 2023. Collection method: clinical testing. Allele origin: germline.

NM_000719.7(CACNA1C):c.1467C>T (p.Cys489=)

Gene: CACNA1C (calcium voltage-gated channel subunit alpha1 C; plus strand). Cytogenetic location: 12p13.33.
Variant type: single nucleotide variant.
Coding change: c.1467C>T on transcript NM_000719.7 (MANE Select); coding-DNA position 1467, C replaced by T.
Protein change: p.Cys489=; no amino-acid change (cysteine 489 retained).
Molecular consequence: synonymous variant.
Genome position (GRCh38, 1-based): chr12:2,550,019, C>T. VCF-style: chr12-2550019-C-T. GRCh37 (hg19) VCF-style: chr12-2659185-C-T.
Other names: c.1467C>T, p.Cys489= (NM_001129827.2, NM_001129829.2, NM_001129830.3 and 18 more transcripts); c.1458C>T, p.Cys486= (NM_001129844.2).
Identifiers: ClinVar variation 527090 (VCV000527090.15), dbSNP rs781074075, ClinGen allele CA6388739.